The following is an entry in ClinVar:

NM_015295.3(SMCHD1):c.5367-16A>G

Gene: SMCHD1 (structural maintenance of chromosomes flexible hinge domain containing 1; plus strand). Cytogenetic location: 18p11.32.
Variant type: single nucleotide variant.
Coding change: c.5367-16A>G on transcript NM_015295.3 (MANE Select); 16 bases into the intron before coding-DNA position 5367, A replaced by G.
Molecular consequence: intron variant.
Genome position (GRCh38, 1-based): chr18:2,777,790, A>G. VCF-style: chr18-2777790-A-G. GRCh37 (hg19) VCF-style: chr18-2777788-A-G.
Identifiers: ClinVar variation 3018818 (VCV003018818.3), dbSNP rs1282555574, ClinGen allele CA628043142.

ClinVar aggregate classification (germline): Uncertain significance (1 of 4 stars; one submission).

Conditions:
Facioscapulohumeral muscular dystrophy 2 (FSHD2). Also called: FACIOSCAPULOHUMERAL MUSCULAR DYSTROPHY 2, DIGENIC; FSHD2, DIGENIC; MUSCULAR DYSTROPHY, FACIOSCAPULOHUMERAL, TYPE 1B. Identifiers: Orphanet 269, MedGen C1834671, MONDO:0008031, OMIM 158901.

Allele frequency attached by ClinVar (database versions not stated): gnomAD exomes 0.00001.
gnomAD v4.1: 4 of 1,388,988 alleles (0.00029%); highest among the groups gnomAD compares: Admixed American, 0.01%; no homozygotes.

Submission:

Labcorp Genetics (formerly Invitae), Labcorp
Classification: Uncertain significance for Facioscapulohumeral muscular dystrophy 2. Last evaluated: 2023-06-04. Review status: criteria provided, single submitter. Criteria: Invitae Variant Classification Sherloc (09022015). Collection method: clinical testing. Allele origin: germline.
Comment: This sequence change falls in intron 42 of the SMCHD1 gene. It does not directly change the encoded amino acid sequence of the SMCHD1 protein. This variant is present in population databases (no rsID available, gnomAD 0.03%). This variant has not been reported in the literature in individuals affected with SMCHD1-related conditions. Algorithms developed to predict the effect of sequence changes on RNA splicing suggest that this variant may create or strengthen a splice site. In summary, the available evidence is currently insufficient to determine the role of this variant in disease. Therefore, it has been classified as a Variant of Uncertain Significance.